The following is an entry in ClinVar:

NM_003073.5(SMARCB1):c.44T>C (p.Val15Ala)

Gene: SMARCB1 (SWI/SNF related BAF chromatin remodeling complex subunit B1; plus strand). Cytogenetic location: 22q11.23.
Variant type: single nucleotide variant.
Coding change: c.44T>C on transcript NM_003073.5 (MANE Select); coding-DNA position 44, T replaced by C.
Protein change: p.Val15Ala; replaces valine 15 with alanine.
Molecular consequence: missense variant.
Genome position (GRCh38, 1-based): chr22:23,787,213, T>C. VCF-style: chr22-23787213-T-C. GRCh37 (hg19) VCF-style: chr22-24129400-T-C.
Other names: c.44T>C, p.Val15Ala (NM_001007468.3, NM_001317946.2, NM_001362877.2); short protein forms V15A.
Identifiers: ClinVar variation 861317 (VCV000861317.7), dbSNP rs1928044034, ClinGen allele CA410930677.

ClinVar aggregate classification (germline): Uncertain significance (1 of 4 stars; one submission).

Submission:

Labcorp Genetics (formerly Invitae), Labcorp
Classification: Uncertain significance. Last evaluated: 2021-12-17. Review status: criteria provided, single submitter. Criteria: Invitae Variant Classification Sherloc (09022015). Collection method: clinical testing. Allele origin: germline.
Comment: In summary, the available evidence is currently insufficient to determine the role of this variant in disease. Therefore, it has been classified as a Variant of Uncertain Significance. Algorithms developed to predict the effect of missense changes on protein structure and function (SIFT, PolyPhen-2, Align-GVGD) all suggest that this variant is likely to be tolerated. ClinVar contains an entry for this variant (Variation ID: 861317). This variant has not been reported in the literature in individuals affected with SMARCB1-related conditions. This variant is not present in population databases (gnomAD no frequency). This sequence change replaces valine, which is neutral and non-polar, with alanine, which is neutral and non-polar, at codon 15 of the SMARCB1 protein (p.Val15Ala).